The following is an entry in ClinVar:

ClinVar aggregate classification (germline): Uncertain significance (1 of 4 stars; one submission).

Submission:

Ambry Genetics
Classification: Uncertain significance. Last evaluated: 2024-09-02. Review status: criteria provided, single submitter. Criteria: Ambry Variant Classification Scheme 2023. Collection method: clinical testing. Allele origin: germline.
Comment: The p.P1484S variant (also known as c.4450C>T), located in coding exon 4 of the ALPK2 gene, results from a C to T substitution at nucleotide position 4450. The proline at codon 1484 is replaced by serine, an amino acid with similar properties. This amino acid position is conserved. In addition, this alteration is predicted to be tolerated by in silico analysis. Based on the available evidence, the clinical significance of this variant remains unclear.

NM_052947.4(ALPK2):c.4450C>T (p.Pro1484Ser)

Genes: ALPK2 (alpha kinase 2; minus strand), LOC126862764 (BRD4-independent group 4 enhancer GRCh37_chr18:56202574-56203773; plus strand). Cytogenetic location: 18q21.31.
Variant type: single nucleotide variant.
Coding change: c.4450C>T on transcript NM_052947.4 (MANE Select); coding-DNA position 4450, C replaced by T.
Protein change: p.Pro1484Ser; replaces proline 1484 with serine.
Molecular consequence: missense variant.
Genome position (GRCh38, 1-based): chr18:58,535,737, G>A on the plus strand (C>T on the coding strand, the complement: ALPK2 is on the minus strand). VCF-style: chr18-58535737-G-A. GRCh37 (hg19) VCF-style: chr18-56202969-G-A.
Other names: short protein forms P1484S.
Identifiers: ClinVar variation 3531365 (VCV003531365.1).